The following is an entry in ClinVar:

NM_006757.4(TNNT3):c.50-10C>T

Gene: TNNT3 (troponin T3, fast skeletal type; plus strand). Cytogenetic location: 11p15.5.
Variant type: single nucleotide variant.
Coding change: c.50-10C>T on transcript NM_006757.4 (MANE Select); 10 bases into the intron before coding-DNA position 50, C replaced by T.
Molecular consequence: intron variant.
Genome position (GRCh38, 1-based): chr11:1,925,089, C>T. VCF-style: chr11-1925089-C-T. GRCh37 (hg19) VCF-style: chr11-1946319-C-T.
Other names: c.50-10C>T (NM_001297646.2, NM_001367846.1, NM_001363561.2 and 9 more transcripts); c.50-167C>T (NM_001367845.1); c.49+1517C>T (NM_001367850.1); c.-99+2198C>T (NM_001367851.1); c.32-10C>T (NM_001367849.1); c.-116-10C>T (NM_001367852.1).
Identifiers: ClinVar variation 1648760 (VCV001648760.10), dbSNP rs374430284, ClinGen allele CA5816116.

ClinVar aggregate classification (germline): Likely benign. Review status: criteria provided, single submitter (1 of 4 stars). 2 submissions from 2 submitters: Likely benign (1). 1 of the submissions does not count toward it. Last evaluated 2024-11-13.

Conditions:
TNNT3-related disorder. Also called: TNNT3-related condition.

Allele frequency attached by ClinVar (database versions not stated): gnomAD 0.00001; gnomAD exomes 0.00003; TOPMed 0.00004; ESP Exome Variant Server 0.00008.
gnomAD v4.1: 45 of 1,612,460 alleles (0.0028%); highest among the groups gnomAD compares: South Asian, 0.021%; no homozygotes.

Submissions (2):

Labcorp Genetics (formerly Invitae), Labcorp
Classification: Likely benign. Last evaluated: 2024-11-13. Review status: criteria provided, single submitter. Criteria: Invitae Variant Classification Sherloc (09022015). Collection method: clinical testing. Allele origin: germline.

PreventionGenetics, part of Exact Sciences
Classification: Likely benign for TNNT3-related condition. Last evaluated: 2019-02-22. Review status: no assertion criteria provided. Collection method: clinical testing. Allele origin: germline. Not counted in ClinVar's aggregate classification.
Comment: This variant is classified as likely benign based on ACMG/AMP sequence variant interpretation guidelines (Richards et al. 2015 PMID: 25741868, with internal and published modifications).